The following is an entry in ClinVar:

NM_004629.2(FANCG):c.1252G>T (p.Glu418Ter)

Gene: FANCG (FA complementation group G; minus strand). Cytogenetic location: 9p13.3.
Variant type: single nucleotide variant.
Coding change: c.1252G>T on transcript NM_004629.2 (MANE Select); coding-DNA position 1252, G replaced by T.
Protein change: p.Glu418Ter; replaces glutamic acid 418 with a stop codon.
Molecular consequence: nonsense.
Genome position (GRCh38, 1-based): chr9:35,075,646, C>A on the plus strand (G>T on the coding strand, the complement: FANCG is on the minus strand). VCF-style: chr9-35075646-C-A. GRCh37 (hg19) VCF-style: chr9-35075643-C-A.
Other names: short protein forms E418*.
Identifiers: ClinVar variation 1224532 (VCV001224532.7), dbSNP rs886063896, ClinGen allele CA373308564.

ClinVar aggregate classification (germline): Pathogenic/Likely pathogenic. Review status: criteria provided, multiple submitters, no conflicts (2 of 4 stars). 2 submissions from 2 submitters: Pathogenic (1); Likely pathogenic (1). Last evaluated 2022-03-31.

Conditions:
Fanconi anemia (FA). Also called: Fanconi's anemia. Identifiers: Orphanet 84, MedGen C0015625, MeSH D005199, MONDO:0019391.

gnomAD v4.1: 1 of 1,613,314 alleles (0.000062%); highest among the groups gnomAD compares: South Asian, 0.0011%; no homozygotes.

Submissions (2):

Labcorp Genetics (formerly Invitae), Labcorp
Classification: Pathogenic for Fanconi anemia. Last evaluated: 2022-03-31. Review status: criteria provided, single submitter. Criteria: Invitae Variant Classification Sherloc (09022015). Collection method: clinical testing. Allele origin: germline.
Comment: This variant is not present in population databases (gnomAD no frequency). This sequence change creates a premature translational stop signal (p.Glu418*) in the FANCG gene. It is expected to result in an absent or disrupted protein product. Loss-of-function variants in FANCG are known to be pathogenic (PMID: 12552564). This variant has not been reported in the literature in individuals affected with FANCG-related conditions. For these reasons, this variant has been classified as Pathogenic. Algorithms developed to predict the effect of sequence changes on RNA splicing suggest that this variant may disrupt the consensus splice site. ClinVar contains an entry for this variant (Variation ID: 1224532).

Dept. of Cytogenetics, ICMR- National Institute of Immunohaematology
Classification: Likely pathogenic for Fanconi anemia. Review status: criteria provided, single submitter. Criteria: ACMG Guidelines, 2015. Collection method: clinical testing. Allele origin: germline. Affected: yes. Observed: 2 variant alleles.

Literature cited by the submitters: PubMed 12552564 (cited by Labcorp Genetics (formerly Invitae), Labcorp).